The following is an entry in ClinVar:

NM_000264.5(PTCH1):c.4187dup (p.Leu1397fs)

Gene: PTCH1 (patched 1; minus strand). Cytogenetic location: 9q22.32.
Variant type: Duplication.
Coding change: c.4187dup on transcript NM_000264.5 (MANE Select); coding-DNA position 4187, one base duplicated (G; older notation c.4187dupG).
Protein change: p.Leu1397fs; shifts the reading frame from leucine 1397.
Molecular consequence: frameshift variant. On other transcripts: non-coding transcript variant (1).
Genome position (GRCh38, 1-based): chr9:95,447,069, C duplicated on the plus strand (G on the coding strand, the reverse complement: PTCH1 is on the minus strand); the first of 5 consecutive C bases (chr9:95,447,069-95,447,073); duplicating any one gives the same sequence. VCF-style (leftmost placement, unchanged base first): chr9-95447068-T-TC. GRCh37 (hg19) VCF-style: chr9-98209350-T-TC.
Other names: c.3989dup, p.Leu1331fs (NM_001083602.3); c.4184dup, p.Leu1396fs (NM_001083603.3); c.3734dup, p.Leu1246fs (NM_001083604.3, NM_001083605.3, NM_001083606.3 and 1 more transcripts); c.4031dup, p.Leu1345fs (NM_001354918.2); short protein forms L1246fs, L1396fs, L1331fs, L1397fs, L1345fs.
Identifiers: ClinVar variation 824653 (VCV000824653.4), dbSNP rs1588510168, ClinGen allele CA915947055.

ClinVar aggregate classification (germline): Uncertain significance (1 of 4 stars; one submission).

Conditions:
Hereditary cancer-predisposing syndrome. Also called: Neoplastic Syndromes, Hereditary; Tumor predisposition; Hereditary neoplastic syndrome; Hereditary Cancer Syndrome. Identifiers: Orphanet 140162, MedGen C0027672, MeSH D009386, MONDO:0015356.

Submission:

Ambry Genetics
Classification: Uncertain significance for Hereditary cancer-predisposing syndrome. Last evaluated: 2018-09-18. Review status: criteria provided, single submitter. Criteria: Ambry Variant Classification Scheme 2023. Collection method: clinical testing. Allele origin: germline.
Comment: The c.4187dupG variant, located in coding exon 23 of the PTCH1 gene, results from a duplication of G at nucleotide position 4187, causing a translational frameshift with a predicted alternate stop codon (p.L1397Tfs*7). Frameshifts are typically deleterious in nature and although this frameshift is predicted to be degraded by nonsense mediated decay, it occurs near the 3' terminus of PTCH1 where no known functional domains are located. This alteration has been observed in individuals who do not have a personal or family history that is consistent with or suggestive of PTCH1-associated disease (Ambry internal data). Since supporting evidence is conflicting at this time, the clinical significance of this alteration remains unclear.